The following is an entry in ClinVar:

NM_182972.3(IRF2BP2):c.227C>T (p.Ala76Val)

Genes: IRF2BP2 (interferon regulatory factor 2 binding protein 2; minus strand), LOC129932812 (ATAC-STARR-seq lymphoblastoid silent region 1977; plus strand). Cytogenetic location: 1q42.3.
Variant type: single nucleotide variant.
Coding change: c.227C>T on transcript NM_182972.3 (MANE Select); coding-DNA position 227, C replaced by T.
Protein change: p.Ala76Val; replaces alanine 76 with valine.
Molecular consequence: missense variant.
Genome position (GRCh38, 1-based): chr1:234,609,268, G>A on the plus strand (C>T on the coding strand, the complement: IRF2BP2 is on the minus strand). VCF-style: chr1-234609268-G-A. GRCh37 (hg19) VCF-style: chr1-234745014-G-A.
Other names: c.227C>T, p.Ala76Val (NM_001077397.1); short protein forms A76V.
Identifiers: ClinVar variation 2791279 (VCV002791279.3), dbSNP rs977367479, ClinGen allele CA345311527.

ClinVar aggregate classification (germline): Uncertain significance (1 of 4 stars; one submission).

Submission:

Labcorp Genetics (formerly Invitae), Labcorp
Classification: Uncertain significance. Last evaluated: 2023-04-30. Review status: criteria provided, single submitter. Criteria: Invitae Variant Classification Sherloc (09022015). Collection method: clinical testing. Allele origin: germline.
Comment: This sequence change replaces alanine, which is neutral and non-polar, with valine, which is neutral and non-polar, at codon 76 of the IRF2BP2 protein (p.Ala76Val). In summary, the available evidence is currently insufficient to determine the role of this variant in disease. Therefore, it has been classified as a Variant of Uncertain Significance. An algorithm developed to predict the effect of missense changes on protein structure and function (PolyPhen-2) suggests that this variant is likely to be disruptive. This variant has not been reported in the literature in individuals affected with IRF2BP2-related conditions. This variant is not present in population databases (gnomAD no frequency).